The following is an entry in ClinVar:

ClinVar aggregate classification (germline): Uncertain significance (1 of 4 stars; one submission).

Conditions:
Cardiovascular phenotype. Identifiers: MedGen CN230736.

gnomAD v4.1: 1 of 1,608,992 alleles (0.000062%); highest among the groups gnomAD compares: African/African-American, 0.0013%; no homozygotes.

Submission:

Ambry Genetics
Classification: Uncertain significance for Cardiovascular phenotype. Last evaluated: 2026-06-25. Review status: criteria provided, single submitter. Criteria: Ambry Variant Classification Scheme 2023. Collection method: clinical testing. Allele origin: germline.
Comment: The p.G253E variant (also known as c.758G>A), located in coding exon 1 of the MYPN gene, results from a G to A substitution at nucleotide position 758. The glycine at codon 253 is replaced by glutamic acid, an amino acid with similar properties. This amino acid position is conserved. In addition, this alteration is predicted to be tolerated by in silico analysis. Based on the available evidence, the clinical significance of this variant remains unclear.

NM_032578.4(MYPN):c.758G>A (p.Gly253Glu)

Gene: MYPN (myopalladin; plus strand). Cytogenetic location: 10q21.3.
Variant type: single nucleotide variant.
Coding change: c.758G>A on transcript NM_032578.4 (MANE Select); coding-DNA position 758, G replaced by A.
Protein change: p.Gly253Glu; replaces glycine 253 with glutamic acid.
Molecular consequence: missense variant. On other transcripts: 5 prime UTR variant (1), non-coding transcript variant (1).
Genome position (GRCh38, 1-based): chr10:68,122,196, G>A. VCF-style: chr10-68122196-G-A. GRCh37 (hg19) VCF-style: chr10-69881953-G-A.
Other names: c.758G>A, p.Gly253Glu (NM_001256267.2); c.-365G>A (NM_001256268.2); short protein forms G253E.
Identifiers: ClinVar variation 5025295 (VCV005025295.1).
Genomic context (GRCh38, chr10:68,122,196, plus strand): 5'-CCAAGAGGCGTGAAGCGGAGCAGGCTGCCAGTGAGGCGGCTGGTGGAGACACTACACCAG[G>A]GTCTTCCCCTTCATCTCTGTACTATGAAGAACCTCTGGGGCAACCTCCCCGGTTCACTCA-3'
Protein context (NP_115967.2, residues 243-263): SEAAGGDTTP[Gly253Glu]SSPSSLYYEE